The following is an entry in ClinVar:

NM_001370259.2(MEN1):c.1687G>T (p.Glu563Ter)

Gene: MEN1 (menin 1; minus strand). Cytogenetic location: 11q13.1.
Variant type: single nucleotide variant.
Coding change: c.1687G>T on transcript NM_001370259.2 (MANE Select); coding-DNA position 1687, G replaced by T.
Protein change: p.Glu563Ter; replaces glutamic acid 563 with a stop codon.
Molecular consequence: nonsense.
Genome position (GRCh38, 1-based): chr11:64,804,480, C>A on the plus strand (G>T on the coding strand, the complement: MEN1 is on the minus strand). VCF-style: chr11-64804480-C-A. GRCh37 (hg19) VCF-style: chr11-64571952-C-A.
Other names: p.E563*:GAG>TAG; c.1702G>T, p.Glu568Ter (NM_000244.4, NM_130800.3, NM_130801.3 and 3 more transcripts); c.1813G>T, p.Glu605Ter (NM_001370251.2); c.1687G>T, p.Glu563Ter (NM_001370260.2, NM_001370261.2, NM_130799.3); c.1582G>T, p.Glu528Ter (NM_001370262.2, NM_001370263.2); short protein forms E563*, E568*, E528*, E605*.
Identifiers: ClinVar variation 200989 (VCV000200989.4), dbSNP rs794728632, ClinGen allele CA009282.

ClinVar aggregate classification (germline): Pathogenic. Review status: criteria provided, multiple submitters, no conflicts (2 of 4 stars). 2 submissions from 2 submitters: Pathogenic (2). Last evaluated 2026-01-28.

Conditions:
Multiple endocrine neoplasia, type 1 (MEN1). Also called: MEA I; MEN I; WERMER SYNDROME; Endocrine adenomatosis multiple; MEN 1. Identifiers: Orphanet 652, MedGen C0025267, MeSH D018761, MONDO:0007540, OMIM 131100.

Submissions (2):

Labcorp Genetics (formerly Invitae), Labcorp
Classification: Pathogenic for Multiple endocrine neoplasia, type 1. Last evaluated: 2026-01-28. Review status: criteria provided, single submitter. Criteria: Invitae Variant Classification Sherloc (09022015). Collection method: clinical testing. Allele origin: germline.
Comment: This sequence change creates a premature translational stop signal (p.Glu563*) in the MEN1 gene. While this is not anticipated to result in nonsense mediated decay, it is expected to disrupt the last 48 amino acid(s) of the MEN1 protein. This variant is not present in population databases (gnomAD no frequency). This premature translational stop signal has been observed in individual(s) with multiple endocrine neoplasia type 1 (PMID: 15714081). ClinVar contains an entry for this variant (Variation ID: 200989). This variant disrupts a region of the MEN1 protein in which other variant(s) (p.Thr580Argfs*8) have been determined to be pathogenic (internal data). This suggests that this is a clinically significant region of the protein, and that variants that disrupt it are likely to be disease-causing. For these reasons, this variant has been classified as Pathogenic.

GeneDx
Classification: Pathogenic. Last evaluated: 2017-04-24. Review status: criteria provided, single submitter. Criteria: GeneDx Variant Classification (06012015). Collection method: clinical testing. Allele origin: germline. Affected: yes.
Comment: The E563X nonsense variant in the MEN1 gene has been reported previously in an individual who was referred for genetic testing of the MEN1 gene (Klein et al., 2005). This variant is predicted to cause loss of normal protein function through protein truncation, and is located within the NLS-2 functional domain (Guru et al., 1998). Based on currently available evidence, we consider E563X to be pathogenic.

Literature cited by the submitters: PubMed 15714081 (cited by Labcorp Genetics (formerly Invitae), Labcorp).